The following is an entry in ClinVar:

ClinVar aggregate classification (germline): not provided (0 of 4 stars; one submission).

Conditions:
Hyperimmunoglobulin D with periodic fever (HIDS). Also called: HYPERIMMUNOGLOBULINEMIA D AND PERIODIC FEVER SYNDROME; Hyperimmunoglobulinemia D; Hyperimmunoglobulinemia D with periodic fever. Identifiers: Orphanet 343, MedGen C0398691, MONDO:0009849, OMIM 260920.

Allele frequency attached by ClinVar (database versions not stated): gnomAD exomes below 0.00001; TOPMed below 0.00001.
gnomAD v4.1: 1 of 1,614,184 alleles (0.000062%); highest among the groups gnomAD compares: Non-Finnish European, 0.000085%; no homozygotes.

Submission:

Unité médicale des maladies autoinflammatoires, CHRU Montpellier
No classification provided. Condition: Hyperimmunoglobulin D with periodic fever. Review status: no classification provided. Collection method: not provided. Allele origin: unknown.
Comment: also involved in OMIM 25117

NM_000431.4(MVK):c.728C>T (p.Thr243Ile)

Gene: MVK (mevalonate kinase; plus strand). Cytogenetic location: 12q24.11.
Variant type: single nucleotide variant.
Coding change: c.728C>T on transcript NM_000431.4 (MANE Select); coding-DNA position 728, C replaced by T.
Protein change: p.Thr243Ile; replaces threonine 243 with isoleucine.
Molecular consequence: missense variant.
Genome position (GRCh38, 1-based): chr12:109,590,821, C>T. VCF-style: chr12-109590821-C-T. GRCh37 (hg19) VCF-style: chr12-110028626-C-T.
Other names: c.728C>T, p.Thr243Ile (NM_001114185.3); c.572C>T, p.Thr191Ile (NM_001301182.2); short protein forms T243I, T191I.
Identifiers: ClinVar variation 97613 (VCV000097613.1), dbSNP rs104895314, ClinGen allele CA149882.
Genomic context (GRCh38, chr12:109,590,821, plus strand): 5'-CACCCTGCAGGTCGCCAGCTCTCCAGATCCTGCTGACCAACACCAAAGTCCCTCGCAATA[C>T]CAGGGCCCTTGTGGCTGGCGTCAGAAACAGGCTGCTCAAGGTGACTCTTGTTCCCTTCTT-3'
Protein context (NP_000422.1, residues 233-253): LLTNTKVPRN[Thr243Ile]RALVAGVRNR